The following is an entry in ClinVar:

NM_001131016.2(CIZ1):c.1483G>A (p.Val495Ile)

Gene: CIZ1 (CDKN1A interacting zinc finger protein 1; minus strand). Cytogenetic location: 9q34.11.
Variant type: single nucleotide variant.
Coding change: c.1483G>A on transcript NM_001131016.2 (MANE Select); coding-DNA position 1483, G replaced by A.
Protein change: p.Val495Ile; replaces valine 495 with isoleucine.
Molecular consequence: missense variant.
Genome position (GRCh38, 1-based): chr9:128,178,724, C>T on the plus strand (G>A on the coding strand, the complement: CIZ1 is on the minus strand). VCF-style: chr9-128178724-C-T. GRCh37 (hg19) VCF-style: chr9-130941003-C-T.
Other names: c.1315G>A, p.Val439Ile (NM_001131015.2); c.1300G>A, p.Val434Ile (NM_001131017.2); c.1243G>A, p.Val415Ile (NM_001131018.2); c.1573G>A, p.Val525Ile (NM_001257975.2); c.1180G>A, p.Val394Ile (NM_001257976.2); c.1483G>A, p.Val495Ile (NM_012127.3); short protein forms V394I, V415I, V434I, V439I, V495I, V525I.
Identifiers: ClinVar variation 1024746 (VCV001024746.8), dbSNP rs1831181227, ClinGen allele CA375026037.
Genomic context (GRCh38, chr9:128,178,724, plus strand): 5'-GAGCTGTCCCATCACCAGACCAGCTGGGAGCCAGTGCTCACTTACCTCCACCAGCTTCTA[C>T]TGCATCAGGTGGCATCTCCAGCCCGCAGACATGAACCACAACTGGTGTTTGCTCTGGAGC-3'
Protein context (NP_001124488.1, residues 485-505): VCGLEMPPDA[Val495Ile]EAGGGMEKTL

ClinVar aggregate classification (germline): Uncertain significance (1 of 4 stars; one submission).

Conditions:
Dystonic disorder. Also called: Dystonia. Identifiers: MedGen C0013421, MONDO:0003441, HP:0001332.

Submission:

Labcorp Genetics (formerly Invitae), Labcorp
Classification: Uncertain significance for Dystonic disorder. Last evaluated: 2020-05-20. Review status: criteria provided, single submitter. Criteria: Invitae Variant Classification Sherloc (09022015). Collection method: clinical testing. Allele origin: germline.
Comment: In summary, the available evidence is currently insufficient to determine the role of this variant in disease. Therefore, it has been classified as a Variant of Uncertain Significance. Algorithms developed to predict the effect of missense changes on protein structure and function (SIFT, PolyPhen-2, Align-GVGD) all suggest that this variant is likely to be tolerated, but these predictions have not been confirmed by published functional studies and their clinical significance is uncertain. This variant has not been reported in the literature in individuals with CIZ1-related conditions. This variant is not present in population databases (ExAC no frequency). This sequence change replaces valine with isoleucine at codon 495 of the CIZ1 protein (p.Val495Ile). The valine residue is weakly conserved and there is a small physicochemical difference between valine and isoleucine.